The following is an entry in ClinVar:

NM_005918.4(MDH2):c.832G>A (p.Val278Ile)

Gene: MDH2 (malate dehydrogenase 2; plus strand). Cytogenetic location: 7q11.23.
Variant type: single nucleotide variant.
Coding change: c.832G>A on transcript NM_005918.4 (MANE Select); coding-DNA position 832, G replaced by A.
Protein change: p.Val278Ile; replaces valine 278 with isoleucine.
Molecular consequence: missense variant.
Genome position (GRCh38, 1-based): chr7:76,064,900, G>A. VCF-style: chr7-76064900-G-A. GRCh37 (hg19) VCF-style: chr7-75694218-G-A.
Other names: c.706G>A, p.Val236Ile (NM_001282403.2); c.511G>A, p.Val171Ile (NM_001282404.2); c.832G>A (NM_005918.2); short protein forms V236I, V171I, V278I.
Identifiers: ClinVar variation 1488040 (VCV001488040.7), dbSNP rs530821789, ClinGen allele CA4305722.

ClinVar aggregate classification (germline): Uncertain significance. Review status: criteria provided, multiple submitters, no conflicts (2 of 4 stars). 3 submissions from 3 submitters: Uncertain significance (3). Last evaluated 2023-01-31.

Conditions:
Inborn genetic diseases. Identifiers: MedGen C0950123, MeSH D030342.

Allele frequency attached by ClinVar (database versions not stated): gnomAD 0.00001 and 0.00002; gnomAD exomes 0.00001 and 0.00002; TOPMed 0.00001; ExAC 0.00002.
gnomAD v4.1: 18 of 1,614,062 alleles (0.0011%); highest among the groups gnomAD compares: South Asian, 0.0088%; no homozygotes.

Submissions (3):

Ambry Genetics
Classification: Uncertain significance for Inborn genetic diseases. Last evaluated: 2023-01-31. Review status: criteria provided, single submitter. Criteria: Ambry Variant Classification Scheme 2023. Collection method: clinical testing. Allele origin: germline.
Comment: The p.V278I variant (also known as c.832G>A), located in coding exon 8 of the MDH2 gene, results from a G to A substitution at nucleotide position 832. The valine at codon 278 is replaced by isoleucine, an amino acid with highly similar properties. This amino acid position is conserved. In addition, the in silico prediction for this alteration is inconclusive. Since supporting evidence is limited at this time, the clinical significance of this alteration remains unclear.

Labcorp Genetics (formerly Invitae), Labcorp
Classification: Uncertain significance. Last evaluated: 2021-09-01. Review status: criteria provided, single submitter. Criteria: Invitae Variant Classification Sherloc (09022015). Collection method: clinical testing. Allele origin: germline.
Comment: This sequence change replaces valine with isoleucine at codon 278 of the MDH2 protein (p.Val278Ile). The valine residue is highly conserved and there is a small physicochemical difference between valine and isoleucine. This variant is present in population databases (rs530821789, ExAC 0.006%). This variant has not been reported in the literature in individuals affected with MDH2-related conditions. Algorithms developed to predict the effect of missense changes on protein structure and function are either unavailable or do not agree on the potential impact of this missense change (SIFT: "Deleterious"; PolyPhen-2: "Benign"; Align-GVGD: "Class C25"). In summary, the available evidence is currently insufficient to determine the role of this variant in disease. Therefore, it has been classified as a Variant of Uncertain Significance.

Breakthrough Genomics
Classification: Uncertain significance. Review status: criteria provided, single submitter. Criteria: ACMG Guidelines, 2015. Collection method: not provided. Allele origin: germline. Inheritance: Autosomal recessive inheritance. Affected: yes.